The following is an entry in ClinVar:

NM_002184.4(IL6ST):c.2739C>T (p.Gly913=)

Gene: IL6ST (interleukin 6 cytokine family signal transducer; minus strand). Cytogenetic location: 5q11.2.
Variant type: single nucleotide variant.
Coding change: c.2739C>T on transcript NM_002184.4 (MANE Select); coding-DNA position 2739, C replaced by T.
Protein change: p.Gly913=; no amino-acid change (glycine 913 retained).
Molecular consequence: synonymous variant. On other transcripts: 3 prime UTR variant (1), non-coding transcript variant (2).
Genome position (GRCh38, 1-based): chr5:55,941,100, G>A on the plus strand (C>T on the coding strand, the complement: IL6ST is on the minus strand). VCF-style: chr5-55941100-G-A. GRCh37 (hg19) VCF-style: chr5-55236928-G-A.
Other names: c.2556C>T, p.Gly852= (NM_001190981.2); c.2637C>T, p.Gly879= (NM_001364275.2); c.2529C>T, p.Gly843= (NM_001364276.2); c.1872C>T, p.Gly624= (NM_001364277.2); c.1836C>T, p.Gly612= (NM_001364278.2); c.1743C>T, p.Gly581= (NM_001364279.2); c.*1666C>T (NM_175767.3).
Identifiers: ClinVar variation 2203402 (VCV002203402.28), dbSNP rs530274808, ClinGen allele CA3271104.
Genomic context (GRCh38, chr5:55,941,100, plus strand): 5'-TTTATAGGTACTGCTGAAGTTGTAGCAGGAACTACTAGTCCTTCACTGAGGCATGTAGCC[G>A]CCTTGCCGTACAGTCTGTGGTAAGTAACTTTTAGGCATGCCTTCATCAGTCGCAGCCTCC-3'
Protein context (NP_002175.2, residues 903-918): KSYLPQTVRQ[Gly913=]GYMPQ

ClinVar aggregate classification (germline): Likely benign. Review status: criteria provided, multiple submitters, no conflicts (2 of 4 stars). 2 submissions from 2 submitters: Likely benign (2). Last evaluated 2023-10-01.

Allele frequency attached by ClinVar (database versions not stated): TOPMed below 0.00001; gnomAD exomes 0.00001; gnomAD 0.00002; ExAC 0.00003; 1000 Genomes Project 30x 0.00016; 1000 Genomes Project 0.00020.
gnomAD v4.1: 21 of 1,611,820 alleles (0.0013%); highest among the groups gnomAD compares: African/African-American, 0.0053%; no homozygotes.

Submissions (2):

CeGaT Center for Human Genetics Tuebingen
Classification: Likely benign. Last evaluated: 2023-10-01. Review status: criteria provided, single submitter. Criteria: CeGaT Center For Human Genetics Tuebingen Variant Classification Criteria Version 2. Collection method: clinical testing. Allele origin: germline. Affected: yes. Observed: 1 variant allele.
Comment: IL6ST: BP4, BP7

Labcorp Genetics (formerly Invitae), Labcorp
Classification: Likely benign. Last evaluated: 2022-02-20. Review status: criteria provided, single submitter. Criteria: Invitae Variant Classification Sherloc (09022015). Collection method: clinical testing. Allele origin: germline.